The following is an entry in ClinVar:

NM_054012.4(ASS1):c.1101G>A (p.Leu367=)

Gene: ASS1 (argininosuccinate synthase 1; plus strand). Cytogenetic location: 9q34.11.
Variant type: single nucleotide variant.
Coding change: c.1101G>A on transcript NM_054012.4 (MANE Select); coding-DNA position 1101, G replaced by A.
Protein change: p.Leu367=; no amino-acid change (leucine 367 retained).
Molecular consequence: synonymous variant.
Genome position (GRCh38, 1-based): chr9:130,494,997, G>A. VCF-style: chr9-130494997-G-A. GRCh37 (hg19) VCF-style: chr9-133370384-G-A.
Other names: c.1101G>A, p.Leu367= (NM_000050.4).
Identifiers: ClinVar variation 287511 (VCV000287511.55), dbSNP rs139031154, ClinGen allele CA5283632.

ClinVar aggregate classification (germline): Conflicting classifications of pathogenicity. Review status: criteria provided, conflicting classifications (1 of 4 stars). 7 submissions from 7 submitters: Uncertain significance (1); Benign (1); Likely benign (4). 1 of the submissions does not count toward it. Last evaluated 2026-07-01.

Conditions:
Citrullinemia. Identifiers: Orphanet 187, MedGen C0175683, MONDO:0015991.
Citrullinemia type I (CTNL1). Also called: ASS DEFICIENCY; argininosuccinate synthetase deficiency. Identifiers: Orphanet 247525, MedGen C4721769, MONDO:0008988, OMIM 215700.

Allele frequency attached by ClinVar (database versions not stated): TOPMed 0.00056; gnomAD exomes 0.00077 and 0.00103; ESP Exome Variant Server 0.00085; gnomAD 0.00122 and 0.00128; ExAC 0.00136.

Submissions (7):

CeGaT Center for Human Genetics Tuebingen
Classification: Likely benign. Last evaluated: 2026-07-01. Review status: criteria provided, single submitter. Criteria: CeGaT Center For Human Genetics Tuebingen Variant Classification Criteria Version 2. Collection method: clinical testing. Allele origin: germline. Affected: yes. Observed: 13 variant alleles.
Comment: ASS1: BP4, BP7

Labcorp Genetics (formerly Invitae), Labcorp
Classification: Benign for Citrullinemia. Last evaluated: 2026-01-31. Review status: criteria provided, single submitter. Criteria: Invitae Variant Classification Sherloc (09022015). Collection method: clinical testing. Allele origin: germline.

Blueprint Genetics
Classification: Likely benign. Last evaluated: 2024-11-19. Review status: criteria provided, single submitter. Criteria: ACMG Guidelines, 2015. Collection method: clinical testing. Allele origin: germline.

Illumina Laboratory Services, Illumina
Classification: Uncertain significance for Citrullinemia type I. Last evaluated: 2018-01-12. Review status: criteria provided, single submitter. Criteria: ICSL Variant Classification Criteria 13 December 2019. Collection method: clinical testing. Allele origin: germline.

GeneDx
Classification: Likely benign. Last evaluated: 2017-07-10. Review status: criteria provided, single submitter. Criteria: GeneDx Variant Classification (06012015). Collection method: clinical testing. Allele origin: germline. Affected: yes.
Comment: This variant is considered likely benign or benign based on one or more of the following criteria: it is a conservative change, it occurs at a poorly conserved position in the protein, it is predicted to be benign by multiple in silico algorithms, and/or has population frequency not consistent with disease.

Eurofins Ntd Llc (ga)
Classification: Likely benign. Last evaluated: 2016-04-22. Review status: criteria provided, single submitter. Criteria: EGL Classification Definitions 2015. Collection method: clinical testing. Allele origin: germline. Observed: 1 variant allele, 1 heterozygote.

Natera, Inc.
Classification: Likely benign for Citrullinemia type I. Last evaluated: 2020-04-13. Review status: no assertion criteria provided. Collection method: clinical testing. Allele origin: germline. Not counted in ClinVar's aggregate classification.